The following is an entry in ClinVar:

NM_000071.3(CBS):c.1105C>T (p.Arg369Cys)

Gene: CBS (cystathionine beta-synthase; minus strand). Cytogenetic location: 21q22.3.
Variant type: single nucleotide variant.
Coding change: c.1105C>T on transcript NM_000071.3 (MANE Select); coding-DNA position 1105, C replaced by T.
Protein change: p.Arg369Cys; replaces arginine 369 with cysteine.
Molecular consequence: missense variant.
Genome position (GRCh38, 1-based): chr21:43,060,481, G>A on the plus strand (C>T on the coding strand, the complement: CBS is on the minus strand). VCF-style: chr21-43060481-G-A. GRCh37 (hg19) VCF-style: chr21-44480591-G-A.
Other names: p.R369C:CGC>TGC; c.1105C>T (NM_001178008.2); c.1105C>T, p.Arg369Cys (NM_001178008.3, NM_001178009.3, NM_001320298.2); c.790C>T, p.Arg264Cys (NM_001321072.1); short protein forms R369C, R264C.
Identifiers: ClinVar variation 212860 (VCV000212860.99), dbSNP rs117687681, ClinGen allele CA324371.
Genomic context (GRCh38, chr21:43,060,481, plus strand): 5'-GGAGGGAAGCCGTGTCTTACATGTAGTTCCGCACTGAGTCGGGCAGAATGACCACGCAGC[G>A]CTGGCCCTCCTGCAGCTCCTGCGCGGCCTTCACGGCCACCGCCACCGTGCTGCCAGCACT-3'
Protein context (NP_000062.1, residues 359-379): KAAQELQEGQ[Arg369Cys]CVVILPDSVR

ClinVar aggregate classification (germline): Conflicting classifications of pathogenicity. Review status: criteria provided, conflicting classifications (1 of 4 stars). 22 submissions from 22 submitters: Uncertain significance (18); Benign (1); Likely benign (2). 1 of the submissions does not count toward it. Last evaluated 2026-09-29.

Conditions:
Familial thoracic aortic aneurysm and aortic dissection (TAAD). Also called: Thoracic aortic aneurysms and dissections. Identifiers: Orphanet 91387, MedGen C4707243, MONDO:0019625.
CBS-related disorder. Also called: CBS-related condition.
Connective tissue disorder. Also called: Connective tissue disease. Identifiers: MedGen C0009782, MONDO:0003900.
Cardiovascular phenotype. Identifiers: MedGen CN230736.
Congenital myopathy. Identifiers: Orphanet 97245, MedGen C0270960, MONDO:0019952.
Classic homocystinuria. Also called: HOMOCYSTINURIA WITH OR WITHOUT RESPONSE TO PYRIDOXINE; Homocystinuria due to Cystathionine Beta-Synthase Deficiency; Homocystinuria due to CBS deficiency; Cystathionine beta-synthase deficiency; CBS deficiency. Identifiers: Orphanet 394, MedGen C0751202, MONDO:0009352, OMIM 236200.
HYPERHOMOCYSTEINEMIA, THROMBOTIC, CBS-RELATED. Identifiers: MedGen C3150344, OMIM 236200.

Allele frequency attached by ClinVar (database versions not stated): 1000 Genomes Project 0.00120; gnomAD 0.00255; ESP Exome Variant Server 0.00300; gnomAD exomes 0.00307 and 0.00414; TOPMed 0.00318; ExAC 0.00328.

Submissions 1 to 6 of 22:

GeneDx
Classification: Uncertain significance. Last evaluated: 2026-09-29. Review status: criteria provided, single submitter. Criteria: GeneDx Variant Classification Process June 2021. Collection method: clinical testing. Allele origin: germline.
Comment: Identified in association with neural tube defects (NTD) in published literature (PMID: 29205322, 31139930); Multiple in vitro functional analyses of this variant in various expression systems have yielded inconsistent conclusions regarding pathogenicity (PMID: 18950795, 20506325, 22069143, 22267502); In silico analysis supports that this missense variant has a deleterious effect on protein structure/function; This variant is associated with the following publications: (PMID: 20981092, 10364517, 10338090, 20506325, 12124992, 9361025, 25087612, 22267502, 18950795, 15319318, 15192637, 22069143, 29650765, 22612060, 34426522, 26990548, 19819175, 28152038, 25331909, 34074348, Sharo2022[Preprint], 36588553, 36385415, 32245022, 31301157, 30165906, 18708589, 29205322, 31139930, 34636997, 37443081, 38532509, 39582727, 20490928, 30380942)

CeGaT Center for Human Genetics Tuebingen
Classification: Likely benign. Last evaluated: 2026-09-01. Review status: criteria provided, single submitter. Criteria: CeGaT Center For Human Genetics Tuebingen Variant Classification Criteria Version 2. Collection method: clinical testing. Allele origin: germline. Affected: yes. Observed: 24 variant alleles.
Comment: CBS: PS3:Supporting, BS2

PreventionGenetics, part of Exact Sciences
Classification: Uncertain significance for CBS-related condition. Last evaluated: 2026-05-01. Review status: criteria provided, single submitter. Criteria: ACMG Guidelines, 2015. Collection method: clinical testing. Allele origin: germline.
Comment: The CBS c.1105C>T variant is predicted to result in the amino acid substitution p.Arg369Cys. This variant has been reported in the compound heterozygous state along with a second pathogenic variant in two individuals with CBS deficiency. Both of these patients were reported to be pyridoxine responsive with clinical presentations that ranged from asymptomatic to severe psychiatric disturbances (Kim et al. 1997. PubMed ID: 9361025; Gaustadnes et al. 2002. PubMed ID: 12124992). It has also been reported in the homozygous state in a patient with CBS deficiency, although that patient was also homozygous for a second missense variant in CBS (p.Arg491Cys; Kluijtmans et al. 1999. PubMed ID: 10364517). In addition, it was more recently reported with a second rare missense variant in CBS in a patient without clinical or biochemical features of homocystinuria. No additional segregation studies were performed for that patient (Kaadan et al. 2018. PubMed ID: 29650765). The c.1105C>T variant has been reported to be one of the most common CBS variants among Northern Europeans (Refsum et al. 2004. PubMed ID: 15192637; Janosík et al. 2009. PubMed ID: 18950795). Consistent with these reports, the c.1105C>T variant is listed in the gnomAD database at an allele frequency of ~0.5% in the European population, and 4 homozygotes are reported in this population group. In vitro functional studies have shown that the p.Arg369Cys change leads to a decrease in CBS activity relative to wild-type in E. coli and mammalian (CHO cells) expression systems, as well decreasing protein stability (Janosík et al. 2009. PubMed ID: 18950795; Kozich et al. 2010. PubMed ID: 20506325; Hnízda et al. 2012. PubMed ID: 22069143; Melenovská et al. 2015. PubMed ID: 25331909), although the p.Arg369Cys substitution seems to have no deleterious effect in a yeast expression system (Mayfield et al. 2012. PubMed ID: 22267502). Lastly, we have observed this variant internally in many individuals, some of whom had positive test results in other genes that explained their phenotype, and the majority of which had no second CBS variant identified. Although we suspect that this variant may be benign, at this time, the clinical significance of this variant is uncertain due to the absence of conclusive functional and genetic evidence.

Women's Health and Genetics/Laboratory Corporation of America, LabCorp
Classification: Uncertain significance. Last evaluated: 2026-03-16. Review status: criteria provided, single submitter. Criteria: LabCorp Variant Classification Summary - May 2015. Collection method: clinical testing. Allele origin: germline.
Comment: Variant summary: CBS c.1105C>T (p.Arg369Cys) results in a non-conservative amino acid change located in the Tryptophan synthase beta chain-like, PALP domain (IPR001926) of the encoded protein sequence. Algorithms developed to predict the effect of missense changes on protein structure and function all suggest that this variant is likely to be disruptive. The variant allele was found at a frequency of 0.0031 in 246960 control chromosomes in the gnomAD database, including 5 homozygotes. This frequency is not significantly higher than estimated for disease-causing variants in CBS, allowing no conclusion about variant significance. c.1105C>T has been reported in individuals affected with Cystathionine beta synthase deficiency (CBSD) (e.g. Kim_1997, Kluijtmans_1999, Gaustadnes_2002, Janosick_2009). In one patient, this variant co-occurred in cis with another potentially pathogenic missence variant resulting in a complete loss of enzymatic activity and a severe disease phenotype (Kluijtmans_1999). However, the sole contribution of this variant to the associated pathophysiology could not be determined. Additionally, other possible causes of homocyctinurea, such as mutations in MTHFR, MTR, MTRR and MMADHC genes have not been ruled out. Homozygotes for this R369C are B6-responsive in a corrective dose of a daily multivitamins and presented with a mild phenotype or no symptoms. This may explain the high frequency of this variant in gnomAD database. The functional studies displayed discordant results when tested in the different expression systems. However, in all functional studies cells harboring the R369C showed moderately reduced activity and lower rate of a tetramer formation (active form) (Kim_1997, Janosick_2009, Kozich_2010, Mayfield_2012). The following publications have been ascertained in the context of this evaluation (PMID: 32245022, 30165906, 12124992, 22612060, 29205322, 18708589, 18950795, 29650765, 31301157, 9361025, 10364517, 20506325, 28152038, 22267502, 31664448, 25331909, 31139930, 19819175, 31211624, 36588553, 38532509). ClinVar contains an entry for this variant (Variation ID: 212860). Based on the evidence outlined above, the variant was classified as uncertain significance.

Mayo Clinic Laboratories, Mayo Clinic
Classification: Uncertain significance. Last evaluated: 2025-08-19. Review status: criteria provided, single submitter. Criteria: ACMG Guidelines, 2015. Collection method: clinical testing. Allele origin: germline. Observed: 20 variant alleles.
Comment: BS1, PP3_strong

Ambry Genetics
Classification: Uncertain significance for Familial thoracic aortic aneurysm and aortic dissection. Last evaluated: 2025-06-17. Review status: criteria provided, single submitter. Criteria: Ambry Variant Classification Scheme 2023. Collection method: clinical testing. Allele origin: germline.
Comment: The p.R369C variant (also known as c.1105C>T), located in coding exon 10 of the CBS gene, results from a C to T substitution at nucleotide position 1105. The arginine at codon 369 is replaced by cysteine, an amino acid with highly dissimilar properties. This variant has been reported in several individuals and cohorts with homocystinuria who were B6 responsive (Kim CE et al. Hum. Mol. Genet., 1997 Dec;6:2213-21; Gaustadnes M et al. Hum. Mutat., 2002 Aug;20:117-26). Newborn blood screening found this variant to be present at a frequency of approximately 0.8% and 0.5% in Norway and Czech, respectively (Refsum H et al. J. Pediatr., 2004 Jun;144:830-2; Janos&iacute;k M et al. J. Pediatr., 2009 Mar;154:431-7). This variant was reported not to affect yeast growth (Kim CE et al. Hum. Mol. Genet., 1997 Dec;6:2213-21), but attenuated enzyme activity in E. coli and CHO-K1 cells to some extent (Janos&iacute;k M et al. J. Pediatr., 2009 Mar;154:431-7). Based on data from gnomAD, the frequency for this variant is above the maximum credible frequency for a disease-causing variant in this gene based on internally established thresholds (Karczewski et al. Nature. 2020 May;581(7809):434-443; Whiffin et al. Genet Med. 2017 10;19:1151-1158). This amino acid position is highly conserved in available vertebrate species. In addition, this alteration is predicted to be deleterious by in silico analysis. Since supporting evidence is limited at this time, the clinical significance of this alteration remains unclear.